The following is an entry in ClinVar:

NM_000051.4(ATM):c.2413C>G (p.Arg805Gly)

Gene: ATM (ATM serine/threonine kinase; plus strand). Cytogenetic location: 11q22.3.
Variant type: single nucleotide variant.
Coding change: c.2413C>G on transcript NM_000051.4 (MANE Select); coding-DNA position 2413, C replaced by G.
Protein change: p.Arg805Gly; replaces arginine 805 with glycine.
Molecular consequence: missense variant.
Genome position (GRCh38, 1-based): chr11:108,259,022, C>G. VCF-style: chr11-108259022-C-G. GRCh37 (hg19) VCF-style: chr11-108129749-C-G.
Other names: c.2413C>G, p.Arg805Gly (NM_001351834.2); short protein forms R805G.
Identifiers: ClinVar variation 453413 (VCV000453413.9), dbSNP rs780619951, ClinGen allele CA382541198.

ClinVar aggregate classification (germline): Uncertain significance. Review status: criteria provided, multiple submitters, no conflicts (2 of 4 stars). 2 submissions from 2 submitters: Uncertain significance (2). Last evaluated 2023-03-21.

Conditions:
Hereditary cancer-predisposing syndrome. Also called: Tumor predisposition; Hereditary Cancer Syndrome; Neoplastic Syndromes, Hereditary; Hereditary neoplastic syndrome. Identifiers: Orphanet 140162, MedGen C0027672, MeSH D009386, MONDO:0015356.
Ataxia-telangiectasia syndrome (AT). Also called: Cerebello-oculocutaneous telangiectasia; Immunodeficiency with ataxia telangiectasia; Ataxia-telangiectasia, complementation group D; AT, COMPLEMENTATION GROUP C; Ataxia-telangiectasia, complementation group E; LOUIS-BAR SYNDROME. Identifiers: Orphanet 100, MedGen C0004135, MONDO:0008840, OMIM 208900.

gnomAD v4.1: 1 of 1,613,688 alleles (0.000062%); highest among the groups gnomAD compares: Non-Finnish European, 0.000085%; no homozygotes.

Submissions (2):

Ambry Genetics
Classification: Uncertain significance for Hereditary cancer-predisposing syndrome. Last evaluated: 2023-03-21. Review status: criteria provided, single submitter. Criteria: Ambry Variant Classification Scheme 2023. Collection method: clinical testing. Allele origin: germline.
Comment: The p.R805G variant (also known as c.2413C>G), located in coding exon 15 of the ATM gene, results from a C to G substitution at nucleotide position 2413. The arginine at codon 805 is replaced by glycine, an amino acid with dissimilar properties. This amino acid position is highly conserved in available vertebrate species. In addition, this alteration is predicted to be deleterious by in silico analysis. Since supporting evidence is limited at this time, the clinical significance of this alteration remains unclear.

Labcorp Genetics (formerly Invitae), Labcorp
Classification: Uncertain significance for Ataxia-telangiectasia syndrome. Last evaluated: 2017-06-25. Review status: criteria provided, single submitter. Criteria: Invitae Variant Classification Sherloc (09022015). Collection method: clinical testing. Allele origin: germline.
Comment: This sequence change replaces arginine with glycine at codon 805 of the ATM protein (p.Arg805Gly). The arginine residue is moderately conserved and there is a moderate physicochemical difference between arginine and glycine. This variant is not present in population databases (ExAC no frequency). This variant has not been reported in the literature in individuals with ATM-related disease. Algorithms developed to predict the effect of missense changes on protein structure and function (SIFT, PolyPhen-2, Align-GVGD) all suggest that this variant is likely to be tolerated, but these predictions have not been confirmed by published functional studies and their clinical significance is uncertain. In summary, the available evidence is currently insufficient to determine the role of this variant in disease. Therefore, it has been classified as a Variant of Uncertain Significance.